The following is an entry in ClinVar:

ClinVar aggregate classification (germline): Uncertain significance (1 of 4 stars; one submission).

Conditions:
Pulmonary hypertension, primary, 4. Identifiers: Orphanet 422, MedGen C3809198, MONDO:0014136, OMIM 615344.

gnomAD v4.1: 4 of 1,585,214 alleles (0.00025%); highest among the groups gnomAD compares: Non-Finnish European, 0.00026%; no homozygotes.

Submission:

Labcorp Genetics (formerly Invitae), Labcorp
Classification: Uncertain significance for Pulmonary hypertension, primary, 4. Last evaluated: 2024-12-27. Review status: criteria provided, single submitter. Criteria: Invitae Variant Classification Sherloc (09022015). Collection method: clinical testing. Allele origin: germline.
Comment: This sequence change replaces arginine, which is basic and polar, with glutamine, which is neutral and polar, at codon 49 of the KCNK3 protein (p.Arg49Gln). This variant is present in population databases (no rsID available, gnomAD 0.001%). This variant has not been reported in the literature in individuals affected with KCNK3-related conditions. Invitae Evidence Modeling of protein sequence and biophysical properties (such as structural, functional, and spatial information, amino acid conservation, physicochemical variation, residue mobility, and thermodynamic stability) indicates that this missense variant is not expected to disrupt KCNK3 protein function with a negative predictive value of 80%. In summary, the available evidence is currently insufficient to determine the role of this variant in disease. Therefore, it has been classified as a Variant of Uncertain Significance.

NM_002246.3(KCNK3):c.146G>A (p.Arg49Gln)

Gene: KCNK3 (potassium two pore domain channel subfamily K member 3; plus strand). Cytogenetic location: 2p23.3.
Variant type: single nucleotide variant.
Coding change: c.146G>A on transcript NM_002246.3 (MANE Select); coding-DNA position 146, G replaced by A.
Protein change: p.Arg49Gln; replaces arginine 49 with glutamine.
Molecular consequence: missense variant.
Genome position (GRCh38, 1-based): chr2:26,693,021, G>A. VCF-style: chr2-26693021-G-A. GRCh37 (hg19) VCF-style: chr2-26915889-G-A.
Other names: short protein forms R49Q.
Identifiers: ClinVar variation 3725129 (VCV003725129.2).